The following is an entry in ClinVar:

ClinVar aggregate classification (germline): Pathogenic (0 of 4 stars; one submission).

Conditions:
Fanconi anemia complementation group P. Also called: SLX4-Related Fanconi Anemia. Identifiers: Orphanet 84, MedGen C3469542, MONDO:0013499, OMIM 613951.

Allele frequency attached by ClinVar (database versions not stated): gnomAD exomes below 0.00001 and 0.00001; ExAC 0.00001; gnomAD 0.00001; TOPMed 0.00002.

Submission:

Leiden Open Variation Database
Classification: Pathogenic for Fanconi anemia complementation group P. Last evaluated: 2014-10-11. Review status: no assertion criteria provided. Collection method: curation. Allele origin: germline. Affected: yes.
Comment: Curator: Arleen D. Auerbach. Submitter to LOVD: Beatrice Schuster.

NM_032444.4(SLX4):c.1538G>A (p.Trp513Ter)

Gene: SLX4 (SLX4 structure-specific endonuclease subunit; minus strand). Cytogenetic location: 16p13.3.
Variant type: single nucleotide variant.
Coding change: c.1538G>A on transcript NM_032444.4 (MANE Select); coding-DNA position 1538, G replaced by A.
Protein change: p.Trp513Ter; replaces tryptophan 513 with a stop codon.
Molecular consequence: nonsense.
Genome position (GRCh38, 1-based): chr16:3,597,524, C>T on the plus strand (G>A on the coding strand, the complement: SLX4 is on the minus strand). VCF-style: chr16-3597524-C-T. GRCh37 (hg19) VCF-style: chr16-3647525-C-T.
Other names: short protein forms W513*.
Identifiers: ClinVar variation 929620 (VCV000929620.1), dbSNP rs761314760, ClinGen allele CA7866495.